The following is an entry in ClinVar:

ClinVar aggregate classification (germline): Pathogenic (1 of 4 stars; one submission).

Submission:

Genetics Laboratory, UDIAT-Centre Diagnòstic, Hospital Universitari Parc Tauli
Classification: Pathogenic. Last evaluated: 2021-04-26. Review status: criteria provided, single submitter. Criteria: Parc Tauli Hospital Assertion Criteria 2021. Collection method: clinical testing. Allele origin: de novo. Inheritance: Autosomal dominant inheritance. Affected: yes. Observed: 1 heterozygote.
Comment: PVS1_very strong;PM2_supporting;PM6_moderate;PP3_supporting

NM_001040142.2(SCN2A):c.1940del (p.Ala647fs)

Gene: SCN2A (sodium voltage-gated channel alpha subunit 2; plus strand). Cytogenetic location: 2q24.3.
Variant type: Deletion.
Coding change: c.1940del on transcript NM_001040142.2 (MANE Select); coding-DNA position 1940, one base deleted (C; older notation c.1940delC).
Protein change: p.Ala647fs; shifts the reading frame from alanine 647.
Molecular consequence: frameshift variant.
Genome position (GRCh38, 1-based): chr2:165,323,424, C deleted. VCF-style (leftmost placement, unchanged base first): chr2-165323423-GC-G. GRCh37 (hg19) VCF-style: chr2-166179933-GC-G.
Other names: c.1940del, p.Ala647fs (NM_001040143.2, NM_001371246.1, NM_001371247.1 and 1 more transcripts); short protein forms A647fs.
Identifiers: ClinVar variation 1098322 (VCV001098322.2), dbSNP rs2105277203, ClinGen allele CA2499215159.